The following is an entry in ClinVar:

ClinVar aggregate classification (germline): Uncertain significance (1 of 4 stars; one submission).

Conditions:
Inborn genetic diseases. Identifiers: MedGen C0950123, MeSH D030342.

Submission:

Ambry Genetics
Classification: Uncertain significance for Inborn genetic diseases. Last evaluated: 2024-01-03. Review status: criteria provided, single submitter. Criteria: Ambry Variant Classification Scheme 2023. Collection method: clinical testing. Allele origin: germline.
Comment: The c.555_563delCGATGATGA (p.D187_D189del) alteration is located in exon 6 (coding exon 5) of the EZH2 gene. This alteration consists of an in-frame deletion of 9 nucleotides between nucleotide positions c.555 and c.563, resulting in the deletion of <NA> residues. Based on insufficient or conflicting evidence, the clinical significance of this alteration remains unclear.

NM_004456.5(EZH2):c.555_563del (p.Asp187_Asp189del)

Gene: EZH2 (enhancer of zeste 2 polycomb repressive complex 2 subunit; minus strand). Cytogenetic location: 7q36.1.
Variant type: Deletion.
Coding change: c.555_563del on transcript NM_004456.5 (MANE Select); coding-DNA positions 555 to 563, 9 bases deleted (CGATGATGA; older notation c.555_563delCGATGATGA).
Protein change: p.Asp187_Asp189del.
Molecular consequence: inframe deletion. On other transcripts: inframe indel (1).
Genome position (GRCh38, 1-based): chr7:148,828,802-148,828,810, TCATCATCG deleted on the plus strand (CGATGATGA on the coding strand, the reverse complement: EZH2 is on the minus strand); deleting any 9 consecutive bases within chr7:148,828,802-148,828,818 gives the same sequence; the c. name uses the placement nearest the transcript's 3' end. VCF-style (leftmost placement, unchanged base first): chr7-148828801-ATCATCATCG-A. GRCh37 (hg19) VCF-style: chr7-148525893-ATCATCATCG-A.
Other names: c.438_446del, p.Asp148_Asp150del (NM_152998.3); c.555_563delCGATGATGA (NM_004456.4); c.555_563del, p.Asp187_Asp189del (NM_001203247.2); c.528_536del, p.Asp178_Asp180del (NM_001203248.2, NM_001203249.2).
Identifiers: ClinVar variation 3091369 (VCV003091369.1), dbSNP rs761287299, ClinGen allele CA4548102.